The following is an entry in ClinVar:

ClinVar aggregate classification (germline): Uncertain significance (1 of 4 stars; one submission).

Conditions:
Autosomal recessive limb-girdle muscular dystrophy type 2J (LGMDR10). Also called: Limb-girdle muscular dystrophy, type 2J; MUSCULAR DYSTROPHY, LIMB-GIRDLE, AUTOSOMAL RECESSIVE 10. Identifiers: Orphanet 140922, MedGen C1837342, MONDO:0012127, OMIM 608807.
Dilated cardiomyopathy 1G (CMD1G). Identifiers: Orphanet 154, MedGen C1858763, MONDO:0011400, OMIM 604145.

Submission:

Labcorp Genetics (formerly Invitae), Labcorp
Classification: Uncertain significance for Dilated cardiomyopathy 1G; Autosomal recessive limb-girdle muscular dystrophy type 2J. Last evaluated: 2025-04-17. Review status: criteria provided, single submitter. Criteria: Invitae Variant Classification Sherloc (09022015). Collection method: clinical testing. Allele origin: germline.
Comment: This sequence change replaces histidine, which is basic and polar, with leucine, which is neutral and non-polar, at codon 34288 of the TTN protein (p.His34288Leu). This variant is not present in population databases (gnomAD no frequency). This variant has not been reported in the literature in individuals affected with TTN-related conditions. Experimental studies and prediction algorithms are not available or were not evaluated, and the functional significance of this variant is currently unknown. In summary, the available evidence is currently insufficient to determine the role of this variant in disease. Therefore, it has been classified as a Variant of Uncertain Significance.

NM_001267550.2(TTN):c.102863A>T (p.His34288Leu)

Genes: TTN (titin; minus strand), TTN-AS1 (TTN antisense RNA 1; plus strand). Cytogenetic location: 2q31.2.
Variant type: single nucleotide variant.
Coding change: c.102863A>T on transcript NM_001267550.2 (MANE Select); coding-DNA position 102863, A replaced by T.
Protein change: p.His34288Leu; replaces histidine 34288 with leucine.
Molecular consequence: missense variant.
Genome position (GRCh38, 1-based): chr2:178,533,752, T>A on the plus strand (A>T on the coding strand, the complement: TTN is on the minus strand). VCF-style: chr2-178533752-T-A. GRCh37 (hg19) VCF-style: chr2-179398479-T-A.
Other names: c.97940A>T, p.His32647Leu (NM_001256850.1); c.75668A>T, p.His25223Leu (NM_003319.4); c.95159A>T, p.His31720Leu (NM_133378.4); c.76043A>T, p.His25348Leu (NM_133432.3); c.76244A>T, p.His25415Leu (NM_133437.4); short protein forms H32647L, H34288L, H25348L, H25415L, H31720L, H25223L.
Identifiers: ClinVar variation 4789214 (VCV004789214.1).